The following is an entry in ClinVar:

NM_004186.5(SEMA3F):c.493C>T (p.Arg165Cys)

Gene: SEMA3F (semaphorin 3F; plus strand). Cytogenetic location: 3p21.31.
Variant type: single nucleotide variant.
Coding change: c.493C>T on transcript NM_004186.5 (MANE Select); coding-DNA position 493, C replaced by T.
Protein change: p.Arg165Cys; replaces arginine 165 with cysteine.
Molecular consequence: missense variant. On other transcripts: intron variant (2).
Genome position (GRCh38, 1-based): chr3:50,175,132, C>T. VCF-style: chr3-50175132-C-T. GRCh37 (hg19) VCF-style: chr3-50212565-C-T.
Other names: c.252+782C>T (NM_001318798.2); c.456+782C>T (NM_001318800.2); c.493C>T (NM_004186.4); short protein forms R165C.
Identifiers: ClinVar variation 2513675 (VCV002513675.4), dbSNP rs753100848, ClinGen allele CA2411792.
Genomic context (GRCh38, chr3:50,175,132, plus strand): 5'-AACCCCTGTTCCTCGTCTTCTCAGGCCACACCATGGACCCAGACTCAGGCGGTCAGAGGC[C>T]GCGGCAGCAGAGCCACGGATGGTGCCCTCCGCCCGATGCCCACAGCCCCACGCCAGGTGG-3'
Protein context (NP_004177.3, residues 155-175): PWTQTQAVRG[Arg165Cys]GSRATDGALR

ClinVar aggregate classification (germline): Uncertain significance. Review status: criteria provided, single submitter (1 of 4 stars). 2 submissions from 2 submitters: Uncertain significance (1). 1 of the submissions does not count toward it. Last evaluated 2023-04-12.

Conditions:
SEMA3F-related disorder. Also called: SEMA3F-related condition.

Allele frequency attached by ClinVar (database versions not stated): gnomAD exomes 0.00002; gnomAD 0.00003; ExAC 0.00009; 1000 Genomes Project 30x 0.00016.
gnomAD v4.1: 27 of 1,611,106 alleles (0.0017%); highest among the groups gnomAD compares: South Asian, 0.0033%; no homozygotes.

Submissions (2):

Ambry Genetics
Classification: Uncertain significance. Last evaluated: 2023-04-12. Review status: criteria provided, single submitter. Criteria: Ambry Variant Classification Scheme 2023. Collection method: clinical testing. Allele origin: germline.

PreventionGenetics, part of Exact Sciences
Classification: Uncertain significance for SEMA3F-related condition. Last evaluated: 2024-05-23. Review status: no assertion criteria provided. Collection method: clinical testing. Allele origin: germline. Not counted in ClinVar's aggregate classification.
Comment: The SEMA3F c.493C>T variant is predicted to result in the amino acid substitution p.Arg165Cys. To our knowledge, this variant has not been reported in the literature. This variant is reported in 0.0066% of alleles in individuals of African descent in gnomAD. At this time, the clinical significance of this variant is uncertain due to the absence of conclusive functional and genetic evidence.